The following is an entry in ClinVar:

ClinVar aggregate classification (germline): Uncertain significance. Review status: criteria provided, multiple submitters, no conflicts (2 of 4 stars). 2 submissions from 2 submitters: Uncertain significance (2). Last evaluated 2026-05-04.

Conditions:
TTN-related disorder. Also called: TTN-related disorders; TTN-related condition; TTN-related disease.

Allele frequency attached by ClinVar (database versions not stated): gnomAD exomes below 0.00001 and 0.00001; ExAC 0.00002; gnomAD 0.00003; TOPMed 0.00003.
gnomAD v4.1: 16 of 1,613,838 alleles (0.00099%); highest among the groups gnomAD compares: African/African-American, 0.019%; no homozygotes.

Submissions (2):

PreventionGenetics, part of Exact Sciences
Classification: Uncertain significance for TTN-related condition. Last evaluated: 2026-05-04. Review status: criteria provided, single submitter. Criteria: ACMG Guidelines, 2015. Collection method: clinical testing. Allele origin: germline.
Comment: The TTN c.30437T>A variant is predicted to result in the amino acid substitution p.Val10146Asp. This variant has been reported in an individual with a clinical diagnosis of mitochondrial myopathy (Punetha et al. 2016. PubMed ID: 27854218). This variant is reported in 0.012% of alleles in individuals of African descent in gnomAD. At this time, the clinical significance of this variant is uncertain due to the absence of conclusive functional and genetic evidence.

Center for Genetic Medicine Research, Children's National Medical Center
Classification: Uncertain significance. Last evaluated: 2015-12-01. Review status: criteria provided, single submitter. Criteria: Punetha et al. (J Neuromuscul Dis. 2016). Collection method: research. Allele origin: unknown.

NM_001267550.2(TTN):c.30437T>A (p.Val10146Asp)

Gene: TTN (titin; minus strand). Cytogenetic location: 2q31.2.
Variant type: single nucleotide variant.
Coding change: c.30437T>A on transcript NM_001267550.2 (MANE Select); coding-DNA position 30437, T replaced by A.
Protein change: p.Val10146Asp; replaces valine 10146 with aspartic acid.
Molecular consequence: missense variant. On other transcripts: intron variant (3).
Genome position (GRCh38, 1-based): chr2:178,702,242, A>T on the plus strand (T>A on the coding strand, the complement: TTN is on the minus strand). VCF-style: chr2-178702242-A-T. GRCh37 (hg19) VCF-style: chr2-179566969-A-T.
Other names: c.30437T>A (LRG_391t1); c.29486T>A, p.Val9829Asp (NM_001256850.1); c.26705T>A, p.Val8902Asp (NM_133378.4); c.13282+35840T>A (NM_003319.4); c.13858+35840T>A (NM_133437.4); c.13657+35840T>A (NM_133432.3); short protein forms V10146D, V9829D, V8902D.
Identifiers: ClinVar variation 224699 (VCV000224699.3), dbSNP rs372185371, ClinGen allele CA1999166.